The following is an entry in ClinVar:

NM_000642.3(AGL):c.2575G>T (p.Ala859Ser)

Gene: AGL (amylo-alpha-1,6-glucosidase and 4-alpha-glucanotransferase; plus strand). Cytogenetic location: 1p21.2.
Variant type: single nucleotide variant.
Coding change: c.2575G>T on transcript NM_000642.3 (MANE Select); coding-DNA position 2575, G replaced by T.
Protein change: p.Ala859Ser; replaces alanine 859 with serine.
Molecular consequence: missense variant.
Genome position (GRCh38, 1-based): chr1:99,884,597, G>T. VCF-style: chr1-99884597-G-T. GRCh37 (hg19) VCF-style: chr1-100350153-G-T.
Other names: c.2575G>T, p.Ala859Ser (NM_001425325.1, NM_001425326.1, NM_000028.3 and 2 more transcripts); c.2374G>T, p.Ala792Ser (NM_001425327.1); c.2527G>T, p.Ala843Ser (NM_000646.3); c.2371G>T, p.Ala791Ser (NM_001425328.1); c.2197G>T, p.Ala733Ser (NM_001425332.1); short protein forms A843S, A859S, A733S, A791S, A792S.
Identifiers: ClinVar variation 1714614 (VCV001714614.6), dbSNP rs773083396, ClinGen allele CA341321597.
Genomic context (GRCh38, chr1:99,884,597, plus strand): 5'-AAAATTAACCACTTTTTAATTAACATTTTCAGAGTTAGTCTTGATCCACATGCACAAGTC[G>T]CTGTTGGAATTCTTCGAAATCATCTGACACAATTCAGTCCTCACTTTAAATCTGGCAGCC-3'
Protein context (NP_000633.2, residues 849-869): RVSLDPHAQV[Ala859Ser]VGILRNHLTQ

ClinVar aggregate classification (germline): Uncertain significance (1 of 4 stars; one submission).

Conditions:
Glycogen storage disease type III (GSD3). Also called: Cori disease; FORBES DISEASE. Identifiers: Orphanet 366, MedGen C0017922, MONDO:0009291, OMIM 232400.

Submission:

Labcorp Genetics (formerly Invitae), Labcorp
Classification: Uncertain significance for Glycogen storage disease type III. Last evaluated: 2022-07-31. Review status: criteria provided, single submitter. Criteria: Invitae Variant Classification Sherloc (09022015). Collection method: clinical testing. Allele origin: germline.
Comment: This variant has not been reported in the literature in individuals affected with AGL-related conditions. Algorithms developed to predict the effect of missense changes on protein structure and function (SIFT, PolyPhen-2, Align-GVGD) all suggest that this variant is likely to be tolerated. In summary, the available evidence is currently insufficient to determine the role of this variant in disease. Therefore, it has been classified as a Variant of Uncertain Significance. This sequence change replaces alanine, which is neutral and non-polar, with serine, which is neutral and polar, at codon 859 of the AGL protein (p.Ala859Ser). This variant is not present in population databases (gnomAD no frequency).